The following is an entry in ClinVar:

NM_000179.3(MSH6):c.1631A>T (p.Glu544Val)

Gene: MSH6 (mutS homolog 6; plus strand). Cytogenetic location: 2p16.3.
Variant type: single nucleotide variant.
Coding change: c.1631A>T on transcript NM_000179.3 (MANE Select); coding-DNA position 1631, A replaced by T.
Protein change: p.Glu544Val; replaces glutamic acid 544 with valine.
Molecular consequence: missense variant.
Genome position (GRCh38, 1-based): chr2:47,799,614, A>T. VCF-style: chr2-47799614-A-T. GRCh37 (hg19) VCF-style: chr2-48026753-A-T.
Other names: c.1241A>T, p.Glu414Val (NM_001281492.2); c.725A>T, p.Glu242Val (NM_001281493.2, NM_001281494.2); short protein forms E414V, E544V, E242V.
Identifiers: ClinVar variation 917822 (VCV000917822.1), dbSNP rs1669354962, ClinGen allele CA346747155.

ClinVar aggregate classification (germline): Uncertain significance (1 of 4 stars; one submission).

Submission:

Women's Health and Genetics/Laboratory Corporation of America, LabCorp
Classification: Uncertain significance. Last evaluated: 2020-04-23. Review status: criteria provided, single submitter. Criteria: LabCorp Variant Classification Summary - May 2015. Collection method: clinical testing. Allele origin: germline.
Comment: Variant summary: MSH6 c.1631A>T (p.Glu544Val) results in a non-conservative amino acid change located in the DNA mismatch repair protein MutS, connector domain (IPR007860) of the encoded protein sequence. Four of five in-silico tools predict a damaging effect of the variant on protein function. The variant was absent in 251220 control chromosomes (gnomAD). The available data on variant occurrences in the general population are insufficient to allow any conclusion about variant significance. To our knowledge, no occurrence of c.1631A>T in individuals affected with Lynch Syndrome and no experimental evidence demonstrating its impact on protein function have been reported. No clinical diagnostic laboratories have submitted clinical-significance assessments for this variant to ClinVar after 2014. Based on the evidence outlined above, the variant was classified as uncertain significance.